The following is an entry in ClinVar:

NM_005360.5(MAF):c.675_683dup (p.Gly238_Ala239insGlyGlyGly)

Gene: MAF (MAF bZIP transcription factor; minus strand). Cytogenetic location: 16q23.2.
Variant type: Duplication.
Coding change: c.675_683dup on transcript NM_005360.5 (MANE Select); coding-DNA positions 675 to 683, 9 bases duplicated (GGGCGGCGG; older notation c.675_683dupGGGCGGCGG).
Protein change: p.Gly238_Ala239insGlyGlyGly.
Molecular consequence: inframe insertion.
Genome position (GRCh38, 1-based): chr16:79,599,220-79,599,228, CCGCCGCCC duplicated on the plus strand (GGGCGGCGG on the coding strand, the reverse complement: MAF is on the minus strand); duplicating any 9 consecutive bases within chr16:79,599,220-79,599,230 gives the same sequence; the c. name uses the placement nearest the transcript's 3' end. VCF-style (leftmost placement, unchanged base first): chr16-79599219-G-GCCGCCGCCC. GRCh37 (hg19) VCF-style: chr16-79633116-G-GCCGCCGCCC.
Other names: c.675_683dup, p.Gly238_Ala239insGlyGlyGly (NM_001031804.3).
Identifiers: ClinVar variation 3749271 (VCV003749271.2).

ClinVar aggregate classification (germline): Uncertain significance (1 of 4 stars; one submission).

Conditions:
Cataract 21 multiple types. Also called: CATARACT 21, MULTIPLE TYPES, WITH OR WITHOUT MICROCORNEA; CATARACT 21, CERULEAN, WITH OR WITHOUT MICROCORNEA; CATARACT 21, MULTIPLE TYPES, WITH MICROCORNEA; Cataract, congenital, cerulean type, 4. Identifiers: Orphanet 91492, MedGen C1857768, MONDO:0012437, OMIM 610202.
Ayme-Gripp syndrome. Also called: Aymé-Gripp Syndrome. Identifiers: MedGen C1832812, MONDO:0010992, OMIM 601088.

Submission:

Labcorp Genetics (formerly Invitae), Labcorp
Classification: Uncertain significance for Cataract 21 multiple types; Ayme-Gripp syndrome. Last evaluated: 2024-03-02. Review status: criteria provided, single submitter. Criteria: Invitae Variant Classification Sherloc (09022015). Collection method: clinical testing. Allele origin: germline.
Comment: This variant, c.675_683dup, results in the insertion of 3 amino acid(s) of the MAF protein (p.Gly236_Gly238dup), but otherwise preserves the integrity of the reading frame. The frequency data for this variant in the population databases is considered unreliable, as metrics indicate insufficient coverage at this position in the gnomAD database. This variant has not been reported in the literature in individuals affected with MAF-related conditions. In summary, the available evidence is currently insufficient to determine the role of this variant in disease. Therefore, it has been classified as a Variant of Uncertain Significance.